The following is an entry in ClinVar:

ClinVar aggregate classification (germline): Uncertain significance (1 of 4 stars; one submission).

Conditions:
Cataract 14 multiple types. Also called: CATARACT 14, ZONULAR PULVERULENT; CATARACT 14, NUCLEAR PULVERULENT; CATARACT 14, NUCLEAR PULVERULENT AND POSTERIOR POLAR; CATARACT 14, NUCLEAR CORALLIFORM; CATARACT 14, EMBRYONAL NUCLEAR; CATARACT 14, COPPOCK-LIKE. Identifiers: Orphanet 91492, MedGen C1866078, MONDO:0011162, OMIM 601885.

Submission:

Dept. Genetics and Cancer, Menzies Institute for Medical Research, University of Tasmania
Classification: Uncertain significance for Cataract 14 multiple types. Last evaluated: 2023-01-21. Review status: criteria provided, single submitter. Criteria: ACMG Guidelines, 2015. Collection method: curation. Allele origin: germline. Affected: yes.
Comment: Variant identified and curated during a GJA3 specific review of the literature in relation to pediatric or congenital cataract. ACMG-AMP criteria applied: PM2(Supporting), PP3. Original variant report: PMID:25148791. Additional phenotype/s reported in these individual/s are: Macrocephaly. Gene review and curation guidelines are outlined in: DOI 10.1080/17469899.2023.2160320

Literature cited by the submitters: PubMed 25148791.

NM_021954.4(GJA3):c.578T>C (p.Phe193Ser)

Gene: GJA3 (gap junction protein alpha 3; minus strand). Cytogenetic location: 13q12.11.
Variant type: single nucleotide variant.
Coding change: c.578T>C on transcript NM_021954.4 (MANE Select); coding-DNA position 578, T replaced by C.
Protein change: p.Phe193Ser; replaces phenylalanine 193 with serine.
Molecular consequence: missense variant.
Genome position (GRCh38, 1-based): chr13:20,142,711, A>G on the plus strand (T>C on the coding strand, the complement: GJA3 is on the minus strand). VCF-style: chr13-20142711-A-G. GRCh37 (hg19) VCF-style: chr13-20716850-A-G.
Other names: short protein forms F193S.
Identifiers: ClinVar variation 3253691 (VCV003253691.1), dbSNP rs2500171531.
Genomic context (GRCh38, chr13:20,142,711, plus strand): 5'-GCGCAGGCCACCGCCAGCATGAAGATGATGAAGATGGTCTTCTCCGTGGGCCTGGAGATG[A>G]AGCAGTCCACCGTGTTGGGGCAGGGCCAGCGGTCGCAGCGGTAGAGCGGCTTCAGCTCGA-3'
Protein context (NP_068773.2, residues 183-203): RWPCPNTVDC[Phe193Ser]ISRPTEKTIF